The following is an entry in ClinVar:

ClinVar aggregate classification (germline): Uncertain significance (1 of 4 stars; one submission).

Submission:

GeneDx
Classification: Uncertain significance. Last evaluated: 2025-05-01. Review status: criteria provided, single submitter. Criteria: GeneDx Variant Classification Process June 2021. Collection method: clinical testing. Allele origin: germline.
Comment: Not observed at significant frequency in large population cohorts (gnomAD); In-frame deletion of 2 amino acids and insertion of 1 different amino acid in a non-repeat region; In silico analysis suggests that this variant does not alter protein structure/function; Has not been previously published as pathogenic or benign to our knowledge

NM_002755.4(MAP2K1):c.1081_1084delinsG (p.Ile361_Lys362delinsGlu)

Genes: MAP2K1 (mitogen-activated protein kinase kinase 1; plus strand), SNAPC5 (small nuclear RNA activating complex polypeptide 5; minus strand). Cytogenetic location: 15q22.31.
Variant type: Indel.
Coding change: c.1081_1084delinsG on transcript NM_002755.4 (MANE Select); coding-DNA positions 1081 to 1084, ATCA replaced by G.
Protein change: p.Ile361_Lys362delinsGlu.
Molecular consequence: inframe indel. On other transcripts: 3 prime UTR variant (1), non-coding transcript variant (1).
Genome position (GRCh38, 1-based): chr15:66,490,514-66,490,517, ATCA replaced by G. VCF-style: chr15-66490514-ATCA-G. GRCh37 (hg19) VCF-style: chr15-66782852-ATCA-G.
Other names: c.*222_*225delinsC (NM_006049.4); c.937_940delinsG, p.Ile313_Lys314delinsGlu (NM_001411065.1); c.1081_1084delATCAinsG, p.Ile361_Lys362delinsGlu (NM_002755.3).
Identifiers: ClinVar variation 2501899 (VCV002501899.2), dbSNP rs2545110183, ClinGen allele CA2580613854.